The following is an entry in ClinVar:

NM_001354604.2(MITF):c.495C>G (p.Gly165=)

Gene: MITF (melanocyte inducing transcription factor; plus strand). Cytogenetic location: 3p13.
Variant type: single nucleotide variant.
Coding change: c.495C>G on transcript NM_001354604.2 (MANE Select); coding-DNA position 495, C replaced by G.
Protein change: p.Gly165=; no amino-acid change (glycine 165 retained).
Molecular consequence: synonymous variant. On other transcripts: intron variant (1).
Genome position (GRCh38, 1-based): chr3:69,937,962, C>G. VCF-style: chr3-69937962-C-G. GRCh37 (hg19) VCF-style: chr3-69987113-C-G.
Other names: c.174C>G, p.Gly58= (NM_000248.4, NM_001184968.2, NM_198158.3); c.339C>G, p.Gly113= (NM_001184967.2, NM_001354608.2); c.492C>G, p.Gly164= (NM_001354605.2, NM_001354606.2, NM_006722.3); c.444C>G, p.Gly148= (NM_001354607.2); c.495C>G, p.Gly165= (NM_198159.3); c.447C>G, p.Gly149= (NM_198177.3); c.93+81C>G (NM_198178.3).
Identifiers: ClinVar variation 2938034 (VCV002938034.6), dbSNP rs373840246, ClinGen allele CA77000567.

ClinVar aggregate classification (germline): Likely benign. Review status: criteria provided, multiple submitters, no conflicts (2 of 4 stars). 3 submissions from 3 submitters: Likely benign (2). 1 of the submissions does not count toward it. Last evaluated 2025-11-02.

Conditions:
Tietz syndrome (TADS). Also called: ALBINISM-DEAFNESS OF TIETZ; HYPOPIGMENTATION/DEAFNESS OF TIETZ; TIETZ ALBINISM-DEAFNESS SYNDROME. Identifiers: Orphanet 42665, MedGen C0391816, MONDO:0007077, OMIM 103500.
Waardenburg syndrome type 2A (WS2A). Also called: WAARDENBURG SYNDROME WITHOUT DYSTOPIA CANTHORUM. Identifiers: Orphanet 3440, MedGen C1860339, MONDO:0008671, OMIM 193510.
Melanoma, cutaneous malignant, susceptibility to, 8. Also called: MELANOMA AND RENAL CELL CARCINOMA, SUSCEPTIBILITY TO; Cutaneous malignant melanoma 8. Identifiers: Orphanet 293822, MedGen C3152204, MONDO:0013759, OMIM 614456.
Hereditary cancer-predisposing syndrome. Also called: Hereditary Cancer Syndrome; Neoplastic Syndromes, Hereditary; Tumor predisposition; Hereditary neoplastic syndrome. Identifiers: Orphanet 140162, MedGen C0027672, MeSH D009386, MONDO:0015356.
MITF-related disorder. Also called: MITF-related condition.

Allele frequency attached by ClinVar (database versions not stated): ESP Exome Variant Server 0.00008.
gnomAD v4.1: 13 of 1,614,050 alleles (0.00081%); highest among the groups gnomAD compares: Non-Finnish European, 0.0011%; no homozygotes.

Submissions (3):

Labcorp Genetics (formerly Invitae), Labcorp
Classification: Likely benign for Melanoma, cutaneous malignant, susceptibility to, 8; Waardenburg syndrome type 2A; Tietz syndrome. Last evaluated: 2025-11-02. Review status: criteria provided, single submitter. Criteria: Invitae Variant Classification Sherloc (09022015). Collection method: clinical testing. Allele origin: germline.

Ambry Genetics
Classification: Likely benign for Hereditary cancer-predisposing syndrome. Last evaluated: 2024-12-12. Review status: criteria provided, single submitter. Criteria: Ambry Variant Classification Scheme 2023. Collection method: clinical testing. Allele origin: germline.

PreventionGenetics, part of Exact Sciences
Classification: Likely benign for MITF-related condition. Last evaluated: 2019-05-28. Review status: no assertion criteria provided. Collection method: clinical testing. Allele origin: germline. Not counted in ClinVar's aggregate classification.
Comment: This variant is classified as likely benign based on ACMG/AMP sequence variant interpretation guidelines (Richards et al. 2015 PMID: 25741868, with internal and published modifications).